The following is an entry in ClinVar:

ClinVar aggregate classification (germline): Likely benign. Review status: criteria provided, multiple submitters, no conflicts (2 of 4 stars). 3 submissions from 3 submitters: Likely benign (2). 1 of the submissions does not count toward it. Last evaluated 2023-12-25.

Conditions:
Meckel-Gruber syndrome. Also called: DYSENCEPHALIA SPLANCHNOCYSTICA; GRUBER SYNDROME; Dysencephalia splachnocystica. Identifiers: Orphanet 564, MedGen C0265215, MONDO:0018921.
Joubert syndrome. Also called: CEREBELLOPARENCHYMAL DISORDER IV; JOUBERT-BOLTSHAUSER SYNDROME; Familial aplasia of the vermis. Identifiers: Orphanet 475, MedGen C5979921, MONDO:0018772.
Nephronophthisis. Also called: Juvenile Nephronophthisis. Identifiers: Orphanet 655, MedGen C0687120, MONDO:0019005, HP:0000090.
CEP290-related disorder. Also called: CEP290-related condition; CEP290-related disorders. Identifiers: MedGen CN239314.

Allele frequency attached by ClinVar (database versions not stated): gnomAD exomes below 0.00001; gnomAD 0.00001; TOPMed 0.00001; ExAC 0.00004.
gnomAD v4.1: 6 of 1,567,704 alleles (0.00038%); highest among the groups gnomAD compares: Non-Finnish European, 0.00052%; no homozygotes.

Submissions (3):

Labcorp Genetics (formerly Invitae), Labcorp
Classification: Likely benign for Joubert syndrome; Meckel-Gruber syndrome; Nephronophthisis. Last evaluated: 2023-12-25. Review status: criteria provided, single submitter. Criteria: Invitae Variant Classification Sherloc (09022015). Collection method: clinical testing. Allele origin: germline.

GeneDx
Classification: Likely benign. Last evaluated: 2017-09-15. Review status: criteria provided, single submitter. Criteria: GeneDx Variant Classification (06012015). Collection method: clinical testing. Allele origin: germline. Affected: yes.
Comment: This variant is considered likely benign or benign based on one or more of the following criteria: it is a conservative change, it occurs at a poorly conserved position in the protein, it is predicted to be benign by multiple in silico algorithms, and/or has population frequency not consistent with disease.

PreventionGenetics, part of Exact Sciences
Classification: Likely benign for CEP290-related condition. Last evaluated: 2021-09-09. Review status: no assertion criteria provided. Collection method: clinical testing. Allele origin: germline. Not counted in ClinVar's aggregate classification.
Comment: This variant is classified as likely benign based on ACMG/AMP sequence variant interpretation guidelines (Richards et al. 2015 PMID: 25741868, with internal and published modifications).

NM_025114.4(CEP290):c.1680T>C (p.Ala560=)

Gene: CEP290 (centrosomal protein 290; minus strand). Cytogenetic location: 12q21.32.
Variant type: single nucleotide variant.
Coding change: c.1680T>C on transcript NM_025114.4 (MANE Select); coding-DNA position 1680, T replaced by C.
Protein change: p.Ala560=; no amino-acid change (alanine 560 retained).
Molecular consequence: synonymous variant.
Genome position (GRCh38, 1-based): chr12:88,118,514, A>G on the plus strand (T>C on the coding strand, the complement: CEP290 is on the minus strand). VCF-style: chr12-88118514-A-G. GRCh37 (hg19) VCF-style: chr12-88512291-A-G.
Identifiers: ClinVar variation 512061 (VCV000512061.13), dbSNP rs777669368, ClinGen allele CA6712492.